The following is an entry in ClinVar:

ClinVar aggregate classification (germline): Uncertain significance (1 of 4 stars; one submission).

Conditions:
Cystic fibrosis (CF). Also called: MUCOVISCIDOSIS. Identifiers: Orphanet 586, MedGen C0010674, MONDO:0009061, OMIM 219700. Disease mechanism: loss of function.

Allele frequency attached by ClinVar (database versions not stated): TOPMed below 0.00001.

Submission:

Ambry Genetics
Classification: Uncertain significance for Cystic fibrosis. Last evaluated: 2021-07-20. Review status: criteria provided, single submitter. Criteria: Ambry Variant Classification Scheme 2023. Collection method: clinical testing. Allele origin: germline.
Comment: The p.V302A variant (also known as c.905T>C), located in coding exon 8 of the CFTR gene, results from a T to C substitution at nucleotide position 905. The valine at codon 302 is replaced by alanine, an amino acid with similar properties. This amino acid position is conserved. In addition, the in silico prediction for this alteration is inconclusive. Since supporting evidence is limited at this time, the clinical significance of this alteration remains unclear.

NM_000492.4(CFTR):c.905T>C (p.Val302Ala)

Gene: CFTR (CF transmembrane conductance regulator; plus strand). Cytogenetic location: 7q31.2.
Variant type: single nucleotide variant.
Coding change: c.905T>C on transcript NM_000492.4 (MANE Select); coding-DNA position 905, T replaced by C.
Protein change: p.Val302Ala; replaces valine 302 with alanine.
Molecular consequence: missense variant.
Genome position (GRCh38, 1-based): chr7:117,540,135, T>C. VCF-style: chr7-117540135-T-C. GRCh37 (hg19) VCF-style: chr7-117180189-T-C.
Other names: short protein forms V302A.
Identifiers: ClinVar variation 1765630 (VCV001765630.2), dbSNP rs1799024196, ClinGen allele CA368978070.